The following is an entry in ClinVar:

ClinVar aggregate classification (germline): Likely benign (0 of 4 stars; one submission).

Conditions:
DMGDH-related disorder. Also called: DMGDH-related condition.

Allele frequency attached by ClinVar (database versions not stated): gnomAD exomes 0.00011; TOPMed 0.00017; gnomAD 0.00027; ExAC 0.00039; 1000 Genomes Project 30x 0.00344; 1000 Genomes Project 0.00359.
gnomAD v4.1: 262 of 1,614,210 alleles (0.016%); highest among the groups gnomAD compares: East Asian, 0.28%; 3 homozygotes.

Submission:

PreventionGenetics, part of Exact Sciences
Classification: Likely benign for DMGDH-related condition. Last evaluated: 2019-08-17. Review status: no assertion criteria provided. Collection method: clinical testing. Allele origin: germline.
Comment: This variant is classified as likely benign based on ACMG/AMP sequence variant interpretation guidelines (Richards et al. 2015 PMID: 25741868, with internal and published modifications).

NM_013391.3(DMGDH):c.1429A>C (p.Arg477=)

Gene: DMGDH (dimethylglycine dehydrogenase; minus strand). Cytogenetic location: 5q14.1.
Variant type: single nucleotide variant.
Coding change: c.1429A>C on transcript NM_013391.3 (MANE Select); coding-DNA position 1429, A replaced by C.
Protein change: p.Arg477=; no amino-acid change (arginine 477 retained).
Molecular consequence: synonymous variant. On other transcripts: non-coding transcript variant (2).
Genome position (GRCh38, 1-based): chr5:79,032,775, T>G on the plus strand (A>C on the coding strand, the complement: DMGDH is on the minus strand). VCF-style: chr5-79032775-T-G. GRCh37 (hg19) VCF-style: chr5-78328598-T-G.
Identifiers: ClinVar variation 3037136 (VCV003037136.2), dbSNP rs192307313, ClinGen allele CA3318729.